The following is an entry in ClinVar:

NM_001267550.2(TTN):c.106854A>G (p.Ile35618Met)

Genes: TTN-AS1 (TTN antisense RNA 1; plus strand), TTN (titin; minus strand). Cytogenetic location: 2q31.2.
Variant type: single nucleotide variant.
Coding change: c.106854A>G on transcript NM_001267550.2 (MANE Select); coding-DNA position 106854, A replaced by G.
Protein change: p.Ile35618Met; replaces isoleucine 35618 with methionine.
Molecular consequence: missense variant.
Genome position (GRCh38, 1-based): chr2:178,528,897, T>C on the plus strand (A>G on the coding strand, the complement: TTN is on the minus strand). VCF-style: chr2-178528897-T-C. GRCh37 (hg19) VCF-style: chr2-179393624-T-C.
Other names: c.101931A>G, p.Ile33977Met (NM_001256850.1); c.79659A>G, p.Ile26553Met (NM_003319.4); c.99150A>G, p.Ile33050Met (NM_133378.4); c.80034A>G, p.Ile26678Met (NM_133432.3); c.80235A>G, p.Ile26745Met (NM_133437.4); short protein forms I35618M, I33050M, I33977M, I26553M, I26678M, I26745M.
Identifiers: ClinVar variation 2934304 (VCV002934304.3), dbSNP rs1687755639, ClinGen allele CA349402846.

ClinVar aggregate classification (germline): Uncertain significance (1 of 4 stars; one submission).

Conditions:
Dilated cardiomyopathy 1G (CMD1G). Identifiers: Orphanet 154, MedGen C1858763, MONDO:0011400, OMIM 604145.
Autosomal recessive limb-girdle muscular dystrophy type 2J (LGMDR10). Also called: Limb-girdle muscular dystrophy, type 2J; MUSCULAR DYSTROPHY, LIMB-GIRDLE, AUTOSOMAL RECESSIVE 10. Identifiers: Orphanet 140922, MedGen C1837342, MONDO:0012127, OMIM 608807.

gnomAD v4.1: 2 of 1,614,074 alleles (0.00012%); highest among the groups gnomAD compares: Admixed American, 0.0033%; no homozygotes.

Submission:

Labcorp Genetics (formerly Invitae), Labcorp
Classification: Uncertain significance for Dilated cardiomyopathy 1G; Autosomal recessive limb-girdle muscular dystrophy type 2J. Last evaluated: 2025-04-14. Review status: criteria provided, single submitter. Criteria: Invitae Variant Classification Sherloc (09022015). Collection method: clinical testing. Allele origin: germline.
Comment: This sequence change replaces isoleucine, which is neutral and non-polar, with methionine, which is neutral and non-polar, at codon 35618 of the TTN protein (p.Ile35618Met). This variant is not present in population databases (gnomAD no frequency). This variant has not been reported in the literature in individuals affected with TTN-related conditions. ClinVar contains an entry for this variant (Variation ID: 2934304). Experimental studies and prediction algorithms are not available or were not evaluated, and the functional significance of this variant is currently unknown. This variant is located in the M band of TTN (PMID: 25589632). Non-truncating variants in this region may be relevant for neuromuscular disorders, but have not been definitively shown to cause cardiomyopathy (PMID: 23975875). In summary, the available evidence is currently insufficient to determine the role of this variant in disease. Therefore, it has been classified as a Variant of Uncertain Significance.

Literature cited by the submitters: PubMed 25589632; PubMed 23975875.